The following is an entry in ClinVar:

ClinVar aggregate classification (germline): Pathogenic (1 of 4 stars; one submission).

Conditions:
Developmental and epileptic encephalopathy. Identifiers: MedGen C5779964, MONDO:0100620.

Submission:

Labcorp Genetics (formerly Invitae), Labcorp
Classification: Pathogenic for Early-infantile DEE. Last evaluated: 2020-06-18. Review status: criteria provided, single submitter. Criteria: Invitae Variant Classification Sherloc (09022015). Collection method: clinical testing. Allele origin: germline.
Comment: This variant has not been reported in the literature in individuals with KCNQ2-related conditions. Loss-of-function variants in KCNQ2 are known to be pathogenic (PMID: 14534157, 23692823, 27779742). For these reasons, this variant has been classified as Pathogenic. This variant is an out-of-frame deletion of the genomic region encompassing exons 2-7 of the KCNQ2 gene. This is expected to create a premature translational stop signal and result in an absent or disrupted protein product.

Literature cited by the submitters: PubMed 14534157; PubMed 23692823; PubMed 27779742.

NC_000020.10:g.(?_62069968)_(62078200_?)del

Gene: KCNQ2 (potassium voltage-gated channel subfamily Q member 2; minus strand). Cytogenetic location: 20q13.33.
Variant type: Deletion.
Identifiers: ClinVar variation 1069870 (VCV001069870.6).